The following is an entry in ClinVar:

ClinVar aggregate classification (germline): Benign/Likely benign. Review status: criteria provided, multiple submitters, no conflicts (2 of 4 stars). 5 submissions from 5 submitters: Benign (1); Likely benign (4). Last evaluated 2026-01-06.

Allele frequency attached by ClinVar (database versions not stated): gnomAD 0.00088 and 0.00093; gnomAD exomes 0.00091 and 0.00107; ExAC 0.00105; ESP Exome Variant Server 0.00132; TOPMed 0.00132; 1000 Genomes Project 0.00160; 1000 Genomes Project 30x 0.00234.
gnomAD v4.1: 1,606 of 1,533,158 alleles (0.1%); highest among the groups gnomAD compares: Admixed American, 0.15%; 2 homozygotes.

Submissions (5):

Labcorp Genetics (formerly Invitae), Labcorp
Classification: Benign. Last evaluated: 2026-01-06. Review status: criteria provided, single submitter. Criteria: Invitae Variant Classification Sherloc (09022015). Collection method: clinical testing. Allele origin: germline.

Mayo Clinic Laboratories, Mayo Clinic
Classification: Likely benign. Last evaluated: 2025-07-24. Review status: criteria provided, single submitter. Criteria: ACMG Guidelines, 2015. Collection method: clinical testing. Allele origin: germline. Observed: 7 variant alleles.
Comment: BP4, BP7

Blueprint Genetics
Classification: Likely benign. Last evaluated: 2024-11-19. Review status: criteria provided, single submitter. Criteria: ACMG Guidelines, 2015. Collection method: clinical testing. Allele origin: germline.

ARUP Laboratories, Molecular Genetics and Genomics, ARUP Laboratories
Classification: Likely benign. Last evaluated: 2024-09-26. Review status: criteria provided, single submitter. Criteria: ARUP Molecular Germline Variant Investigation Process 2024. Collection method: clinical testing. Allele origin: germline.

Breakthrough Genomics
Classification: Likely benign. Review status: criteria provided, single submitter. Criteria: ACMG Guidelines, 2015. Collection method: not provided. Allele origin: germline. Inheritance: Autosomal recessive inheritance. Affected: yes.

NM_001142864.4(PIEZO1):c.1251C>T (p.His417=)

Genes: HSALR1 (HSP90AB1 associated lncRNA 1; plus strand), PIEZO1 (piezo type mechanosensitive ion channel component 1 (Er blood group); minus strand). Cytogenetic location: 16q24.3.
Variant type: single nucleotide variant.
Coding change: c.1251C>T on transcript NM_001142864.4 (MANE Select); coding-DNA position 1251, C replaced by T.
Protein change: p.His417=; no amino-acid change (histidine 417 retained).
Molecular consequence: synonymous variant.
Genome position (GRCh38, 1-based): chr16:88,736,684, G>A on the plus strand (C>T on the coding strand, the complement: PIEZO1 is on the minus strand). VCF-style: chr16-88736684-G-A. GRCh37 (hg19) VCF-style: chr16-88803092-G-A.
Other names: p.His417=.
Identifiers: ClinVar variation 728606 (VCV000728606.22), dbSNP rs183684596, ClinGen allele CA8233053.